The following is an entry in ClinVar:

ClinVar aggregate classification (germline): Conflicting classifications of pathogenicity. Review status: criteria provided, conflicting classifications (1 of 4 stars). 2 submissions from 2 submitters: Uncertain significance (1); Likely benign (1). Last evaluated 2023-03-23.

Conditions:
Hereditary cancer-predisposing syndrome. Also called: Tumor predisposition; Hereditary Cancer Syndrome; Neoplastic Syndromes, Hereditary; Hereditary neoplastic syndrome. Identifiers: Orphanet 140162, MedGen C0027672, MeSH D009386, MONDO:0015356.

Submissions (2):

University of Washington Department of Laboratory Medicine, University of Washington
Classification: Likely benign for Hereditary cancer-predisposing syndrome. Last evaluated: 2023-03-23. Review status: criteria provided, single submitter. Criteria: Dines et al. (Genet Med. 2020). Collection method: curation. Allele origin: germline.
Comment: Missense variant in a coldspot region where missense variants are very unlikely to be pathogenic (PMID:31911673).

BRCA1 coldspot (exon 11 using historical exon numbering). Reclassification based on statistical prior probability

Ambry Genetics
Classification: Uncertain significance for Hereditary cancer-predisposing syndrome. Last evaluated: 2022-03-08. Review status: criteria provided, single submitter. Criteria: Ambry Variant Classification Scheme 2023. Collection method: clinical testing. Allele origin: germline.
Comment: The p.N909Y variant (also known as c.2725A>T), located in coding exon 9 of the BRCA1 gene, results from an A to T substitution at nucleotide position 2725. The asparagine at codon 909 is replaced by tyrosine, an amino acid with dissimilar properties. This amino acid position is conserved. In addition, the in silico prediction for this alteration is inconclusive. Since supporting evidence is limited at this time, the clinical significance of this alteration remains unclear.

NM_007294.4(BRCA1):c.2725A>T (p.Asn909Tyr)

Gene: BRCA1 (BRCA1 DNA repair associated; minus strand). Cytogenetic location: 17q21.31.
Variant type: single nucleotide variant.
Coding change: c.2725A>T on transcript NM_007294.4 (MANE Select); coding-DNA position 2725, A replaced by T.
Protein change: p.Asn909Tyr; replaces asparagine 909 with tyrosine.
Molecular consequence: missense variant. On other transcripts: intron variant (137).
Genome position (GRCh38, 1-based): chr17:43,092,806, T>A on the plus strand (A>T on the coding strand, the complement: BRCA1 is on the minus strand). VCF-style: chr17-43092806-T-A. GRCh37 (hg19) VCF-style: chr17-41244823-T-A.
Other names: c.2725A>T, p.Asn909Tyr (NM_001407652.1, NM_001407684.1, NM_001407854.1 and 30 more transcripts); c.2647A>T, p.Asn883Tyr (NM_001407653.1, NM_001407654.1, NM_001407655.1 and 4 more transcripts); c.2644A>T, p.Asn882Tyr (NM_001407659.1, NM_001407660.1, NM_001407661.1 and 1 more transcripts); c.2602A>T, p.Asn868Tyr (NM_001407664.1, NM_001407665.1, NM_001407666.1 and 19 more transcripts); c.2599A>T, p.Asn867Tyr (NM_001407670.1, NM_001407671.1, NM_001407672.1 and 11 more transcripts); c.2584A>T, p.Asn862Tyr (NM_001407692.1, NM_001407694.1, NM_001407695.1 and 29 more transcripts); c.2581A>T, p.Asn861Tyr (NM_001407740.1, NM_001407741.1, NM_001407742.1 and 20 more transcripts); c.2512A>T, p.Asn838Tyr (NM_001407853.1, NM_001407894.1, NM_001407895.1 and 9 more transcripts); and 41 more; short protein forms N741Y, N782Y, N820Y, N841Y, N868Y, N883Y, N613Y, N781Y.
Identifiers: ClinVar variation 1795231 (VCV001795231.4), dbSNP rs2154362709, ClinGen allele CA10596541.
Genomic context (GRCh38, chr17:43,092,806, plus strand): 5'-AGCCTGCAGTGATATTAACTGTCTGTACAGGCTTGATATTAGACTCATTCTTTCCTTGAT[T>A]TTCTTCCTTTTGTTCACATTCAAAAGTGACTTTTGGACTTTGTTTCTTTAAGGACCCAGA-3'
Protein context (NP_009225.1, residues 899-919): VTFECEQKEE[Asn909Tyr]QGKNESNIKP